The following is an entry in ClinVar:

NM_004984.4(KIF5A):c.2930G>A (p.Ser977Asn)

Gene: KIF5A (kinesin family member 5A; plus strand). Cytogenetic location: 12q13.3.
Variant type: single nucleotide variant.
Coding change: c.2930G>A on transcript NM_004984.4 (MANE Select); coding-DNA position 2930, G replaced by A.
Protein change: p.Ser977Asn; replaces serine 977 with asparagine.
Molecular consequence: missense variant.
Genome position (GRCh38, 1-based): chr12:57,581,890, G>A. VCF-style: chr12-57581890-G-A. GRCh37 (hg19) VCF-style: chr12-57975673-G-A.
Other names: c.2663G>A, p.Ser888Asn (NM_001354705.2); short protein forms S888N, S977N.
Identifiers: ClinVar variation 2114209 (VCV002114209.4), dbSNP rs1159045681, ClinGen allele CA385516580.

ClinVar aggregate classification (germline): Uncertain significance (1 of 4 stars; one submission).

Conditions:
Spastic paraplegia. Identifiers: MedGen C0037772, HP:0001258.

Allele frequency attached by ClinVar (database versions not stated): TOPMed below 0.00001; gnomAD 0.00001.
gnomAD v4.1: 1 of 1,613,946 alleles (0.000062%); highest among the groups gnomAD compares: Non-Finnish European, 0.000085%; no homozygotes.

Submission:

Labcorp Genetics (formerly Invitae), Labcorp
Classification: Uncertain significance for Spastic paraplegia. Last evaluated: 2022-03-19. Review status: criteria provided, single submitter. Criteria: Invitae Variant Classification Sherloc (09022015). Collection method: clinical testing. Allele origin: germline.
Comment: This variant has not been reported in the literature in individuals affected with KIF5A-related conditions. This variant is not present in population databases (gnomAD no frequency). This sequence change replaces serine, which is neutral and polar, with asparagine, which is neutral and polar, at codon 977 of the KIF5A protein (p.Ser977Asn). Advanced modeling of protein sequence and biophysical properties (such as structural, functional, and spatial information, amino acid conservation, physicochemical variation, residue mobility, and thermodynamic stability) performed at Invitae indicates that this missense variant is not expected to disrupt KIF5A protein function. In summary, the available evidence is currently insufficient to determine the role of this variant in disease. Therefore, it has been classified as a Variant of Uncertain Significance. Algorithms developed to predict the effect of sequence changes on RNA splicing suggest that this variant may create or strengthen a splice site.